The following is an entry in ClinVar:

ClinVar aggregate classification (germline): Likely benign (0 of 4 stars; one submission).

Conditions:
MUC16-related disorder. Also called: MUC16-related condition.

Submission:

PreventionGenetics, part of Exact Sciences
Classification: Likely benign for MUC16-related condition. Last evaluated: 2020-02-17. Review status: no assertion criteria provided. Collection method: clinical testing. Allele origin: germline.
Comment: This variant is classified as likely benign based on ACMG/AMP sequence variant interpretation guidelines (Richards et al. 2015 PMID: 25741868, with internal and published modifications).

NM_001401501.2(MUC16):c.41112-10T>C

Gene: MUC16 (mucin 16, cell surface associated; minus strand). Cytogenetic location: 19p13.2.
Variant type: single nucleotide variant.
Coding change: c.41112-10T>C on transcript NM_001401501.2 (MANE Select); 10 bases into the intron before coding-DNA position 41112, T replaced by C.
Molecular consequence: intron variant.
Genome position (GRCh38, 1-based): chr19:8,886,870, A>G on the plus strand (T>C on the coding strand, the complement: MUC16 is on the minus strand). VCF-style: chr19-8886870-A-G. GRCh37 (hg19) VCF-style: chr19-8997546-A-G.
Other names: c.41538-10T>C (NM_001414686.1); c.40992-10T>C (NM_001414687.1); c.40886-10T>C (NM_024690.2).
Identifiers: ClinVar variation 3053645 (VCV003053645.2), dbSNP rs1430480636, ClinGen allele CA631395901.